The following is an entry in ClinVar:

Conditions:
Breast-ovarian cancer, familial, susceptibility to, 1 (BROVCA1). Also called: BRCA1 Hereditary Breast and Ovarian Cancer; OVARIAN CANCER, SUSCEPTIBILITY TO. Identifiers: Orphanet 145, MedGen C2676676, MONDO:0011450, OMIM 604370. Disease mechanism: loss of function.

Submission:

Brotman Baty Institute, University of Washington
No classification provided (evidence only). Condition: Breast-ovarian cancer, familial 1. Review status: no classification provided. Collection method: in vitro. Allele origin: not applicable. Functional consequence: functionally_normal.
ClinVar note: "not provided" was previously submitted as the classification for the variant. However, the classification appeared to be based only on an observation of functional data so it was converted to no classification on 2025-07-30.

NM_007294.4(BRCA1):c.4944A>T (p.Lys1648Asn)

Gene: BRCA1 (BRCA1 DNA repair associated; minus strand). Cytogenetic location: 17q21.31.
Variant type: single nucleotide variant.
Coding change: c.4944A>T on transcript NM_007294.4 (MANE Select); coding-DNA position 4944, A replaced by T.
Protein change: p.Lys1648Asn; replaces lysine 1648 with asparagine.
Molecular consequence: missense variant. On other transcripts: non-coding transcript variant (1).
Genome position (GRCh38, 1-based): chr17:43,070,970, T>A on the plus strand (A>T on the coding strand, the complement: BRCA1 is on the minus strand). VCF-style: chr17-43070970-T-A. GRCh37 (hg19) VCF-style: chr17-41222987-T-A.
Other names: c.4731A>T, p.Lys1577Asn (NM_001407571.1, NM_001407894.1, NM_001407895.1 and 12 more transcripts); c.5010A>T, p.Lys1670Asn (NM_001407581.1, NM_001407582.1); c.5007A>T, p.Lys1669Asn (NM_001407583.1, NM_001407585.1, NM_001407587.1 and 1 more transcripts); c.5004A>T, p.Lys1668Asn (NM_001407590.1, NM_001407591.1); c.4944A>T, p.Lys1648Asn (NM_001407593.1, NM_001407594.1, NM_001407596.1 and 8 more transcripts); c.4941A>T, p.Lys1647Asn (NM_001407610.1, NM_001407611.1, NM_001407622.1 and 17 more transcripts); c.4938A>T, p.Lys1646Asn (NM_001407627.1, NM_001407628.1, NM_001407629.1 and 14 more transcripts); c.4935A>T, p.Lys1645Asn (NM_001407644.1, NM_001407645.1); and 70 more; short protein forms K1601N, K1648N, K544N, K1669N, K1519N, K1520N, K1536N, K1578N.
Identifiers: ClinVar variation 868438 (VCV000868438.3), dbSNP rs2052368958, ClinGen allele CA10591635.
Genomic context (GRCh38, chr17:43,070,970, plus strand): 5'-ACATATGGATACACTCACAAATTCTTCTGGGGTCAGGCCAGACACCACCATGGACATTCT[T>A]TTGTTGACCCTTTCTGTTGAAGCTGTCAATTCTGGCTTCTCCCTGCTCACACTTTCTTCC-3'
Protein context (NP_009225.1, residues 1638-1658): ELTASTERVN[Lys1648Asn]RMSMVVSGLT